The following is an entry in ClinVar:

ClinVar aggregate classification (germline): Pathogenic (1 of 4 stars; one submission).

Conditions:
Pheochromocytoma. Also called: MAX-Related Hereditary Paraganglioma-Pheochromocytoma Syndrome. Identifiers: Orphanet 29072, MedGen C0031511, MONDO:0008233, OMIM 171300, HP:0002666.
Gastrointestinal stromal tumor. Also called: Gastrointestinal stromal tumor, somatic; Gastrointestinal stroma tumor. Identifiers: Orphanet 44890, MedGen C0238198, MeSH D046152, MONDO:0011719, OMIM 606764, HP:0100723.
Pheochromocytoma/paraganglioma syndrome 4. Also called: SDHB-Related Hereditary Paraganglioma-Pheochromocytoma Syndrome; PARAGANGLIOMA, FAMILIAL MALIGNANT; PARAGANGLIOMAS, HEREDITARY EXTRAADRENAL; PHEOCHROMOCYTOMA, FAMILIAL EXTRAADRENAL; Paragangliomas 4; CAROTID BODY TUMORS AND MULTIPLE EXTRAADRENAL PHEOCHROMOCYTOMAS. Identifiers: Orphanet 29072, MedGen C1861848, MONDO:0007273, OMIM 115310.

Submission:

Labcorp Genetics (formerly Invitae), Labcorp
Classification: Pathogenic for Gastrointestinal stromal tumor; Pheochromocytoma/paraganglioma syndrome 4; Pheochromocytoma. Last evaluated: 2025-06-15. Review status: criteria provided, single submitter. Criteria: Invitae Variant Classification Sherloc (09022015). Collection method: clinical testing. Allele origin: germline.
Comment: This sequence change creates a premature translational stop signal (p.Gly203Glufs*17) in the SDHB gene. It is expected to result in an absent or disrupted protein product. Loss-of-function variants in SDHB are known to be pathogenic (PMID: 19454582, 19802898). This variant is not present in population databases (gnomAD no frequency). This variant has not been reported in the literature in individuals affected with SDHB-related conditions. ClinVar contains an entry for this variant (Variation ID: 528737). For these reasons, this variant has been classified as Pathogenic.

Literature cited by the submitters: PubMed 19454582; PubMed 19802898.

NM_003000.3(SDHB):c.608del (p.Gly203fs)

Gene: SDHB (succinate dehydrogenase complex iron sulfur subunit B; minus strand). Cytogenetic location: 1p36.13.
Variant type: Deletion.
Coding change: c.608del on transcript NM_003000.3 (MANE Select); coding-DNA position 608, one base deleted (G; older notation c.608delG).
Protein change: p.Gly203fs; shifts the reading frame from glycine 203.
Molecular consequence: frameshift variant.
Genome position (GRCh38, 1-based): chr1:17,024,007, C deleted on the plus strand (G on the coding strand, the reverse complement: SDHB is on the minus strand); the first of 2 consecutive C bases (chr1:17,024,007-17,024,008); deleting either gives the same sequence. VCF-style (leftmost placement, unchanged base first): chr1-17024006-TC-T. GRCh37 (hg19) VCF-style: chr1-17350501-TC-T.
Other names: c.608delG (NM_003000.2); short protein forms G203fs.
Identifiers: ClinVar variation 528737 (VCV000528737.6), dbSNP rs1553177436, ClinGen allele CA658795407.